The following is an entry in ClinVar:

ClinVar aggregate classification (germline): Benign. Review status: criteria provided, multiple submitters, no conflicts (2 of 4 stars). 13 submissions from 12 submitters: Benign (11). 2 of the submissions do not count toward it. Last evaluated 2026-04-28.

Conditions:
Colorectal cancer. Also called: Malignant Colorectal Neoplasm; Colorectal cancer, somatic. Identifiers: MedGen C0346629, MONDO:0005575, OMIM 114500.
Endometrial carcinoma. Also called: Endometrial carcinoma, somatic. Identifiers: MedGen C0476089, MONDO:0002447, OMIM 608089, HP:0012114.
Colorectal cancer, hereditary nonpolyposis, type 7. Identifiers: Orphanet 144, MedGen C1858380, MONDO:0013725, OMIM 614385.
MLH3-related disorder. Also called: MLH3-related condition.

Allele frequency attached by ClinVar (database versions not stated): ESP Exome Variant Server 0.02007; 1000 Genomes Project 30x 0.02030; gnomAD exomes 0.00448; ExAC 0.00574; gnomAD 0.01794 and 0.01944; 1000 Genomes Project 0.01797; TOPMed 0.01965.

Submissions (13):

Myriad Genetics, Inc.
Classification: Benign for Colorectal cancer, hereditary nonpolyposis, type 7. Last evaluated: 2026-04-28. Review status: criteria provided, single submitter. Criteria: Myriad Autosomal Dominant, Autosomal Recessive and X-Linked Classification Criteria (2023). Collection method: clinical testing. Allele origin: unknown.
Comment: This variant is considered benign. This variant is a silent/synonymous amino acid change and it is not expected to impact splicing.

Labcorp Genetics (formerly Invitae), Labcorp
Classification: Benign for Colorectal cancer, hereditary nonpolyposis, type 7. Last evaluated: 2026-02-02. Review status: criteria provided, single submitter. Criteria: Invitae Variant Classification Sherloc (09022015). Collection method: clinical testing. Allele origin: germline.

ARUP Laboratories, Molecular Genetics and Genomics, ARUP Laboratories
Classification: Benign. Last evaluated: 2025-03-27. Review status: criteria provided, single submitter. Criteria: ARUP Molecular Germline Variant Investigation Process 2024. Collection method: clinical testing. Allele origin: germline.

Center for Genomic Medicine, Rigshospitalet, Copenhagen University Hospital
Classification: Benign. Last evaluated: 2025-03-04. Review status: criteria provided, single submitter. Criteria: ACMG Guidelines, 2015. Collection method: clinical testing. Allele origin: germline.

KCCC/NGS Laboratory, Kuwait Cancer Control Center
Classification: Benign for Endometrial carcinoma. Last evaluated: 2025-02-01. Review status: criteria provided, single submitter. Criteria: ACMG Guidelines, 2015. Collection method: clinical testing. Allele origin: germline. Affected: no.

KCCC/NGS Laboratory, Kuwait Cancer Control Center
Classification: Benign for Colorectal cancer, hereditary nonpolyposis, type 7. Last evaluated: 2023-07-07. Review status: criteria provided, single submitter. Criteria: ACMG Guidelines, 2015. Collection method: clinical testing. Allele origin: germline. Affected: yes.

Department of Pathology and Laboratory Medicine, Sinai Health System
Classification: Benign for Colorectal cancer; Endometrial carcinoma; Colorectal cancer, hereditary nonpolyposis, type 7. Last evaluated: 2021-08-06. Review status: criteria provided, single submitter. Criteria: ACMG Guidelines, 2015. Collection method: clinical testing. Allele origin: germline. Affected: yes.

Ambry Genetics
Classification: Benign. Last evaluated: 2020-07-30. Review status: criteria provided, single submitter. Criteria: Ambry Variant Classification Scheme 2023. Collection method: clinical testing. Allele origin: germline.

GeneDx
Classification: Benign. Last evaluated: 2018-06-22. Review status: criteria provided, single submitter. Criteria: GeneDx Variant Classification Process June 2021. Collection method: clinical testing. Allele origin: germline. Affected: yes.

Illumina Laboratory Services, Illumina
Classification: Benign for Colorectal cancer, hereditary nonpolyposis, type 7. Last evaluated: 2018-01-13. Review status: criteria provided, single submitter. Criteria: ICSL Variant Classification Criteria 13 December 2019. Collection method: clinical testing. Allele origin: germline.
Comment: This variant was observed in the ICSL laboratory as part of a predisposition screen in an ostensibly healthy population. It had not been previously curated by ICSL or reported in the Human Gene Mutation Database (HGMD: prior to June 1st, 2018), and was therefore a candidate for classification through an automated scoring system. Utilizing variant allele frequency, disease prevalence and penetrance estimates, and inheritance mode, an automated score was calculated to assess if this variant is too frequent to cause the disease. Based on the score and internal cut-off values, a variant classified as benign is not then subjected to further curation. The score for this variant resulted in a classification of benign for this disease.

Breakthrough Genomics
Classification: Benign. Review status: criteria provided, single submitter. Criteria: ACMG Guidelines, 2015. Collection method: not provided. Allele origin: germline. Inheritance: Autosomal dominant inheritance. Affected: yes.

PreventionGenetics, part of Exact Sciences
Classification: Benign for MLH3-related condition. Last evaluated: 2019-09-19. Review status: no assertion criteria provided. Collection method: clinical testing. Allele origin: germline. Not counted in ClinVar's aggregate classification.
Comment: This variant is classified as benign based on ACMG/AMP sequence variant interpretation guidelines (Richards et al. 2015 PMID: 25741868, with internal and published modifications).

Mayo Clinic Laboratories, Mayo Clinic
Classification: Likely benign. Review status: no assertion criteria provided. Collection method: clinical testing. Allele origin: unknown. Not counted in ClinVar's aggregate classification.

NM_001040108.2(MLH3):c.444G>C (p.Val148=)

Gene: MLH3 (mutL homolog 3; minus strand). Cytogenetic location: 14q24.3.
Variant type: single nucleotide variant.
Coding change: c.444G>C on transcript NM_001040108.2 (MANE Select); coding-DNA position 444, G replaced by C.
Protein change: p.Val148=; no amino-acid change (valine 148 retained).
Molecular consequence: synonymous variant.
Genome position (GRCh38, 1-based): chr14:75,049,212, C>G on the plus strand (G>C on the coding strand, the complement: MLH3 is on the minus strand). VCF-style: chr14-75049212-C-G. GRCh37 (hg19) VCF-style: chr14-75515915-C-G.
Other names: c.444G>C, p.Val148= (NM_014381.3).
Identifiers: ClinVar variation 221151 (VCV000221151.37), dbSNP rs11556091, ClinGen allele CA348607.